The following is an entry in ClinVar:

NM_001365999.1(SZT2):c.10086+1G>C

Gene: SZT2 (SZT2 subunit of KICSTOR complex; plus strand). Cytogenetic location: 1p34.2.
Variant type: single nucleotide variant.
Coding change: c.10086+1G>C on transcript NM_001365999.1 (MANE Select); the canonical splice donor site of the intron after coding-DNA position 10086, G replaced by C.
Molecular consequence: splice donor variant.
Genome position (GRCh38, 1-based): chr1:43,448,729, G>C. VCF-style: chr1-43448729-G-C. GRCh37 (hg19) VCF-style: chr1-43914400-G-C.
Other names: c.9915+1G>C (NM_015284.4).
Identifiers: ClinVar variation 4775913 (VCV004775913.1).
Genomic context (GRCh38, chr1:43,448,729, plus strand): 5'-AGCCGCTTCCCCCAGAGCTGTCGCCATTTCCAAAGCCCAGACTTGGGAACTCAGTACCTG[G>C]TAAGTCCCCTTGAGCTTCCTCTGAAAAGGGAAACACAGCAGAAATCCTCACCAAACAGAT-3'

ClinVar aggregate classification (germline): Likely pathogenic (1 of 4 stars; one submission).

gnomAD v4.1: 3 of 1,613,516 alleles (0.00019%); highest among the groups gnomAD compares: African/African-American, 0.0013%; no homozygotes.

Submission:

Labcorp Genetics (formerly Invitae), Labcorp
Classification: Likely pathogenic. Last evaluated: 2025-07-27. Review status: criteria provided, single submitter. Criteria: Invitae Variant Classification Sherloc (09022015). Collection method: clinical testing. Allele origin: germline.
Comment: This sequence change affects a donor splice site in intron 69 of the SZT2 gene. It is expected to disrupt RNA splicing. Variants that disrupt the donor or acceptor splice site typically lead to a loss of protein function (PMID: 16199547), and loss-of-function variants in SZT2 are known to be pathogenic (PMID: 23932106, 27248490, 28556953). This variant is not present in population databases (gnomAD no frequency). This variant has not been reported in the literature in individuals affected with SZT2-related conditions. Algorithms developed to predict the effect of sequence changes on RNA splicing suggest that this variant may disrupt the consensus splice site. In summary, the currently available evidence indicates that the variant is pathogenic, but additional data are needed to prove that conclusively. Therefore, this variant has been classified as Likely Pathogenic.

Literature cited by the submitters: PubMed 16199547; PubMed 23932106; PubMed 27248490; PubMed 28556953.